The following is an entry in ClinVar:

NM_012210.4(TRIM32):c.1198C>T (p.Arg400Cys)

Genes: ASTN2 (astrotactin 2; minus strand), TRIM32 (tripartite motif containing 32; plus strand). Cytogenetic location: 9q33.1.
Variant type: single nucleotide variant.
Coding change: c.1198C>T on transcript NM_012210.4 (MANE Select); coding-DNA position 1198, C replaced by T.
Protein change: p.Arg400Cys; replaces arginine 400 with cysteine.
Molecular consequence: missense variant. On other transcripts: intron variant (3).
Genome position (GRCh38, 1-based): chr9:116,698,940, C>T. VCF-style: chr9-116698940-C-T. GRCh37 (hg19) VCF-style: chr9-119461219-C-T.
Other names: c.1198C>T, p.Arg400Cys (NM_001099679.2, NM_001379048.1, NM_001379049.1 and 1 more transcripts); c.2653+26831G>A (NM_014010.5); c.2794+26831G>A (NM_001365069.1); c.2806+26831G>A (NM_001365068.1); short protein forms R400C.
Identifiers: ClinVar variation 1001607 (VCV001001607.9), dbSNP rs140059042, ClinGen allele CA5211116.

ClinVar aggregate classification (germline): Uncertain significance. Review status: criteria provided, multiple submitters, no conflicts (2 of 4 stars). 4 submissions from 4 submitters: Uncertain significance (3). 1 of the submissions does not count toward it. Last evaluated 2024-05-28.

Conditions:
Bardet-Biedl syndrome (BBS). Identifiers: Orphanet 110, MedGen C0752166, MONDO:0015229.
Sarcotubular myopathy (LGMDR8). Also called: Limb-girdle muscular dystrophy, type 2H; Autosomal recessive limb-girdle muscular dystrophy type 2H; MUSCULAR DYSTROPHY, LIMB-GIRDLE, AUTOSOMAL RECESSIVE 8; Hutterite type of muscular dystrophy. Identifiers: Orphanet 1878, MedGen C0270968, MONDO:0009683, OMIM 254110.
Bardet-Biedl syndrome 11 (BBS11). Identifiers: Orphanet 110, MedGen C1859569, MONDO:0014439, OMIM 615988.
TRIM32-related disorder. Also called: TRIM32-related condition.

Allele frequency attached by ClinVar (database versions not stated): TOPMed 0.00002; ExAC 0.00003; gnomAD 0.00003 and 0.00004; ESP Exome Variant Server 0.00008.
gnomAD v4.1: 63 of 1,614,050 alleles (0.0039%); highest among the groups gnomAD compares: Non-Finnish European, 0.0047%; no homozygotes.

Submissions (4):

Blueprint Genetics
Classification: Uncertain significance. Last evaluated: 2024-05-28. Review status: criteria provided, single submitter. Criteria: ACMG Guidelines, 2015. Collection method: clinical testing. Allele origin: germline.

Fulgent Genetics
Classification: Uncertain significance for Sarcotubular myopathy; Bardet-Biedl syndrome 11. Last evaluated: 2022-05-26. Review status: criteria provided, single submitter. Criteria: ACMG Guidelines, 2015. Collection method: clinical testing. Allele origin: unknown.

Labcorp Genetics (formerly Invitae), Labcorp
Classification: Uncertain significance for Bardet-Biedl syndrome. Last evaluated: 2021-09-05. Review status: criteria provided, single submitter. Criteria: Invitae Variant Classification Sherloc (09022015). Collection method: clinical testing. Allele origin: germline.
Comment: This sequence change replaces arginine with cysteine at codon 400 of the TRIM32 protein (p.Arg400Cys). The arginine residue is highly conserved and there is a large physicochemical difference between arginine and cysteine. This variant is present in population databases (rs140059042, ExAC 0.01%). This variant has not been reported in the literature in individuals affected with TRIM32-related conditions. Algorithms developed to predict the effect of missense changes on protein structure and function (SIFT, PolyPhen-2, Align-GVGD) all suggest that this variant is likely to be disruptive. In summary, the available evidence is currently insufficient to determine the role of this variant in disease. Therefore, it has been classified as a Variant of Uncertain Significance.

PreventionGenetics, part of Exact Sciences
Classification: Uncertain significance for TRIM32-related condition. Last evaluated: 2024-09-03. Review status: no assertion criteria provided. Collection method: clinical testing. Allele origin: germline. Not counted in ClinVar's aggregate classification.
Comment: The TRIM32 c.1198C>T variant is predicted to result in the amino acid substitution p.Arg400Cys. This variant has been reported in at least one patient with Bardet Biedl syndrome (Perea-Romero et al. 2022. PubMed ID: 35835773). This variant is reported in 0.0080% of alleles in individuals of African descent in gnomAD. At this time, the clinical significance of this variant is uncertain due to the absence of conclusive functional and genetic evidence.